The following is an entry in ClinVar:

ClinVar aggregate classification (germline): Likely pathogenic (1 of 4 stars; one submission).

Submission:

Labcorp Genetics (formerly Invitae), Labcorp
Classification: Likely pathogenic. Last evaluated: 2023-04-24. Review status: criteria provided, single submitter. Criteria: Invitae Variant Classification Sherloc (09022015). Collection method: clinical testing. Allele origin: germline.
Comment: In summary, the currently available evidence indicates that the variant is pathogenic, but additional data are needed to prove that conclusively. Therefore, this variant has been classified as Likely Pathogenic. Algorithms developed to predict the effect of sequence changes on RNA splicing suggest that this variant may disrupt the consensus splice site. Disruption of this splice site has been observed in individual(s) with sensorineural hearing loss (PMID: 25719458). This variant is not present in population databases (gnomAD no frequency). This sequence change affects a donor splice site in intron 16 of the ADGRV1 gene. It is expected to disrupt RNA splicing. Variants that disrupt the donor or acceptor splice site typically lead to a loss of protein function (PMID: 16199547), and loss-of-function variants in ADGRV1 are known to be pathogenic (PMID: 19357117, 22135276, 22147658, 26226137, 30718709, 31047384, 32467589).

Literature cited by the submitters: PubMed 25719458; PubMed 16199547; PubMed 19357117; PubMed 22135276; PubMed 22147658; PubMed 26226137; PubMed 30718709; PubMed 31047384; PubMed 32467589.

NM_032119.4(ADGRV1):c.3022+2T>G

Gene: ADGRV1 (adhesion G protein-coupled receptor V1; plus strand). Cytogenetic location: 5q14.3.
Variant type: single nucleotide variant.
Coding change: c.3022+2T>G on transcript NM_032119.4 (MANE Select); the canonical splice donor site of the intron after coding-DNA position 3022, T replaced by G.
Molecular consequence: splice donor variant.
Genome position (GRCh38, 1-based): chr5:90,646,093, T>G. VCF-style: chr5-90646093-T-G. GRCh37 (hg19) VCF-style: chr5-89941910-T-G.
Identifiers: ClinVar variation 2734738 (VCV002734738.3), dbSNP rs2532013596, ClinGen allele CA360392945.